The following is an entry in ClinVar:

ClinVar aggregate classification (germline): Uncertain significance. Review status: criteria provided, multiple submitters, no conflicts (2 of 4 stars). 6 submissions from 6 submitters: Uncertain significance (5). 1 of the submissions does not count toward it. Last evaluated 2023-09-06.

Conditions:
Cardiovascular phenotype. Identifiers: MedGen CN230736.
Alstrom syndrome (ALMS). Identifiers: Orphanet 64, MedGen C0268425, MONDO:0008763, OMIM 203800.

Allele frequency attached by ClinVar (database versions not stated): gnomAD 0.00001; TOPMed 0.00001; gnomAD exomes 0.00002 and 0.00008; ExAC 0.00003.
gnomAD v4.1: 119 of 1,609,844 alleles (0.0074%); highest among the groups gnomAD compares: Non-Finnish European, 0.0099%; no homozygotes.

Submissions (6):

Ambry Genetics
Classification: Uncertain significance for Cardiovascular phenotype. Last evaluated: 2023-09-06. Review status: criteria provided, single submitter. Criteria: Ambry Variant Classification Scheme 2023. Collection method: clinical testing. Allele origin: germline.
Comment: The p.S386N variant (also known as c.1157G>A), located in coding exon 5 of the ALMS1 gene, results from a G to A substitution at nucleotide position 1157. The serine at codon 386 is replaced by asparagine, an amino acid with highly similar properties. This amino acid position is not well conserved in available vertebrate species. In addition, this alteration is predicted to be tolerated by in silico analysis. Since supporting evidence is limited at this time, the clinical significance of this alteration remains unclear.

Women's Health and Genetics/Laboratory Corporation of America, LabCorp
Classification: Uncertain significance. Last evaluated: 2023-02-20. Review status: criteria provided, single submitter. Criteria: LabCorp Variant Classification Summary - May 2015. Collection method: clinical testing. Allele origin: germline.

GeneDx
Classification: Uncertain significance. Last evaluated: 2022-11-07. Review status: criteria provided, single submitter. Criteria: GeneDx Variant Classification Process June 2021. Collection method: clinical testing. Allele origin: germline. Affected: yes.
Comment: Not observed at significant frequency in large population cohorts (gnomAD); In silico analysis supports that this missense variant does not alter protein structure/function; Has not been previously published as pathogenic or benign to our knowledge

Labcorp Genetics (formerly Invitae), Labcorp
Classification: Uncertain significance for Alstrom syndrome. Last evaluated: 2022-06-27. Review status: criteria provided, single submitter. Criteria: Invitae Variant Classification Sherloc (09022015). Collection method: clinical testing. Allele origin: germline.
Comment: This sequence change replaces serine, which is neutral and polar, with asparagine, which is neutral and polar, at codon 386 of the ALMS1 protein (p.Ser386Asn). This variant is present in population databases (rs767078704, gnomAD 0.006%). This variant has not been reported in the literature in individuals affected with ALMS1-related conditions. ClinVar contains an entry for this variant (Variation ID: 999795). Experimental studies and prediction algorithms are not available or were not evaluated, and the functional significance of this variant is currently unknown. In summary, the available evidence is currently insufficient to determine the role of this variant in disease. Therefore, it has been classified as a Variant of Uncertain Significance.

Fulgent Genetics
Classification: Uncertain significance for Alstrom syndrome. Last evaluated: 2022-03-18. Review status: criteria provided, single submitter. Criteria: ACMG Guidelines, 2015. Collection method: clinical testing. Allele origin: unknown.

Natera, Inc.
Classification: Uncertain significance for Alstrom syndrome. Last evaluated: 2020-10-14. Review status: no assertion criteria provided. Collection method: clinical testing. Allele origin: germline. Not counted in ClinVar's aggregate classification.

NM_001378454.1(ALMS1):c.1154G>A (p.Ser385Asn)

Gene: ALMS1 (ALMS1 centrosome and basal body associated protein; plus strand). Cytogenetic location: 2p13.1.
Variant type: single nucleotide variant.
Coding change: c.1154G>A on transcript NM_001378454.1 (MANE Select); coding-DNA position 1154, G replaced by A.
Protein change: p.Ser385Asn; replaces serine 385 with asparagine.
Molecular consequence: missense variant.
Genome position (GRCh38, 1-based): chr2:73,424,819, G>A. VCF-style: chr2-73424819-G-A. GRCh37 (hg19) VCF-style: chr2-73651947-G-A.
Other names: c.1157G>A, p.Ser386Asn (NM_015120.4); short protein forms S385N, S386N.
Identifiers: ClinVar variation 999795 (VCV000999795.10), dbSNP rs767078704, ClinGen allele CA1713057.